The following is an entry in ClinVar:

NM_003954.5(MAP3K14):c.1657+8C>T

Gene: MAP3K14 (mitogen-activated protein kinase kinase kinase 14; minus strand). Cytogenetic location: 17q21.31.
Variant type: single nucleotide variant.
Coding change: c.1657+8C>T on transcript NM_003954.5 (MANE Select); 8 bases into the intron after coding-DNA position 1657, C replaced by T.
Molecular consequence: intron variant.
Genome position (GRCh38, 1-based): chr17:45,273,495, G>A on the plus strand (C>T on the coding strand, the complement: MAP3K14 is on the minus strand). VCF-style: chr17-45273495-G-A. GRCh37 (hg19) VCF-style: chr17-43350862-G-A.
Identifiers: ClinVar variation 4084950 (VCV004084950.8).

ClinVar aggregate classification (germline): Uncertain significance (1 of 4 stars; one submission).

Submission:

CeGaT Center for Human Genetics Tuebingen
Classification: Uncertain significance. Last evaluated: 2025-06-01. Review status: criteria provided, single submitter. Criteria: CeGaT Center For Human Genetics Tuebingen Variant Classification Criteria Version 2. Collection method: clinical testing. Allele origin: germline. Affected: yes. Observed: 1 variant allele.
Comment: MAP3K14: PM2, BP4